The following is an entry in ClinVar:

ClinVar aggregate classification (germline): Benign. Review status: criteria provided, multiple submitters, no conflicts (2 of 4 stars). 5 submissions from 4 submitters: Benign (5). Last evaluated 2024-07-15.

Conditions:
Epilepsy, familial focal, with variable foci 4 (FFEVF4). Identifiers: MedGen C4693694, MONDO:0054776, OMIM 617935.
Developmental and epileptic encephalopathy, 62. Also called: Early infantile epileptic encephalopathy 62. Identifiers: MedGen C4693699, MONDO:0033371, OMIM 617938.

Allele frequency attached by ClinVar (database versions not stated): ESP Exome Variant Server 0.19286; ExAC 0.21092; gnomAD exomes 0.21983; gnomAD 0.22613 and 0.22726; TOPMed 0.24265; 1000 Genomes Project 30x 0.31309; 1000 Genomes Project 0.31889.
gnomAD v4.1: 247,018 of 1,605,640 alleles (15%); highest among the groups gnomAD compares: East Asian, 49%; 26,622 homozygotes.

Submissions (5):

Unidad de Genómica Garrahan, Hospital de Pediatría Garrahan
Classification: Benign. Last evaluated: 2024-07-15. Review status: criteria provided, single submitter. Criteria: ACMG Guidelines, 2015. Collection method: clinical testing. Allele origin: germline. Affected: no. Observed: 31 variant alleles.
Comment: This variant is classified as Benign based on local population frequency. This variant was detected in 33% of patients studied in a panel designed for Epileptic and Developmental Encephalopathy and Progressive Myoclonus Epilepsy. Number of patients: 31. Only high quality variants are reported.

Genome-Nilou Lab
Classification: Benign for Developmental and epileptic encephalopathy, 62. Last evaluated: 2021-07-15. Review status: criteria provided, single submitter. Criteria: ACMG Guidelines, 2015. Collection method: clinical testing. Allele origin: germline. Affected: no.

Genome-Nilou Lab
Classification: Benign for Epilepsy, familial focal, with variable foci 4. Last evaluated: 2021-07-15. Review status: criteria provided, single submitter. Criteria: ACMG Guidelines, 2015. Collection method: clinical testing. Allele origin: germline. Affected: no.

GeneDx
Classification: Benign. Last evaluated: 2021-05-15. Review status: criteria provided, single submitter. Criteria: GeneDx Variant Classification Process June 2021. Collection method: clinical testing. Allele origin: germline. Affected: yes.

Breakthrough Genomics
Classification: Benign. Review status: criteria provided, single submitter. Criteria: ACMG Guidelines, 2015. Collection method: not provided. Allele origin: germline. Inheritance: Autosomal dominant inheritance. Affected: yes.

NM_006922.4(SCN3A):c.695-46A>G

Gene: SCN3A (sodium voltage-gated channel alpha subunit 3; minus strand). Cytogenetic location: 2q24.3.
Variant type: single nucleotide variant.
Coding change: c.695-46A>G on transcript NM_006922.4 (MANE Select); 46 bases into the intron before coding-DNA position 695, A replaced by G.
Molecular consequence: intron variant.
Genome position (GRCh38, 1-based): chr2:165,162,874, T>C on the plus strand (A>G on the coding strand, the complement: SCN3A is on the minus strand). VCF-style: chr2-165162874-T-C. GRCh37 (hg19) VCF-style: chr2-166019384-T-C.
Other names: c.695-46A>G (NM_001081676.2, NM_001081677.2).
Identifiers: ClinVar variation 1221351 (VCV001221351.8), dbSNP rs9333576, ClinGen allele CA1939350.